The following is an entry in ClinVar:

ClinVar aggregate classification (germline): Uncertain significance (1 of 4 stars; one submission).

Conditions:
Hereditary cancer-predisposing syndrome. Also called: Neoplastic Syndromes, Hereditary; Tumor predisposition; Hereditary Cancer Syndrome; Hereditary neoplastic syndrome. Identifiers: Orphanet 140162, MedGen C0027672, MeSH D009386, MONDO:0015356.

Submission:

Ambry Genetics
Classification: Uncertain significance for Hereditary cancer-predisposing syndrome. Last evaluated: 2019-12-30. Review status: criteria provided, single submitter. Criteria: Ambry Variant Classification Scheme 2023. Collection method: clinical testing. Allele origin: germline.
Comment: The p.A696G variant (also known as c.2087C>G), located in coding exon 14 of the NBN gene, results from a C to G substitution at nucleotide position 2087. The alanine at codon 696 is replaced by glycine, an amino acid with similar properties. This amino acid position is highly conserved in available vertebrate species. In addition, this alteration is predicted to be tolerated by in silico analysis. Since supporting evidence is limited at this time, the clinical significance of this alteration remains unclear.

NM_002485.5(NBN):c.2087C>G (p.Ala696Gly)

Gene: NBN (nibrin; minus strand). Cytogenetic location: 8q21.3.
Variant type: single nucleotide variant.
Coding change: c.2087C>G on transcript NM_002485.5 (MANE Select); coding-DNA position 2087, C replaced by G.
Protein change: p.Ala696Gly; replaces alanine 696 with glycine.
Molecular consequence: missense variant.
Genome position (GRCh38, 1-based): chr8:89,943,350, G>C on the plus strand (C>G on the coding strand, the complement: NBN is on the minus strand). VCF-style: chr8-89943350-G-C. GRCh37 (hg19) VCF-style: chr8-90955578-G-C.
Other names: c.1841C>G, p.Ala614Gly (NM_001024688.3); short protein forms A696G, A614G.
Identifiers: ClinVar variation 1785653 (VCV001785653.2), dbSNP rs1462278909, ClinGen allele CA371675828.